The following is an entry in ClinVar:

ClinVar aggregate classification (germline): Uncertain significance (1 of 4 stars; one submission).

Conditions:
Early-infantile DEE. Also called: Ohtahara syndrome; Early infantile epileptic encephalopathy with suppression bursts; Early infantile epileptic encephalopathy. Identifiers: Orphanet 1934, MedGen C0393706, MONDO:0800491.

gnomAD v4.1: 1 of 1,614,172 alleles (0.000062%); highest among the groups gnomAD compares: Admixed American, 0.0017%; no homozygotes.

Submission:

Labcorp Genetics (formerly Invitae), Labcorp
Classification: Uncertain significance for Early-infantile DEE. Last evaluated: 2024-10-31. Review status: criteria provided, single submitter. Criteria: Invitae Variant Classification Sherloc (09022015). Collection method: clinical testing. Allele origin: germline.
Comment: This sequence change replaces lysine, which is basic and polar, with glutamine, which is neutral and polar, at codon 1789 of the SPTAN1 protein (p.Lys1789Gln). This variant is present in population databases (no rsID available, gnomAD 0.003%). This variant has not been reported in the literature in individuals affected with SPTAN1-related conditions. Invitae Evidence Modeling of protein sequence and biophysical properties (such as structural, functional, and spatial information, amino acid conservation, physicochemical variation, residue mobility, and thermodynamic stability) has been performed for this missense variant. However, the output from this modeling did not meet the statistical confidence thresholds required to predict the impact of this variant on SPTAN1 protein function. In summary, the available evidence is currently insufficient to determine the role of this variant in disease. Therefore, it has been classified as a Variant of Uncertain Significance.

NM_001130438.3(SPTAN1):c.5365A>C (p.Lys1789Gln)

Gene: SPTAN1 (spectrin alpha, non-erythrocytic 1; plus strand). Cytogenetic location: 9q34.11.
Variant type: single nucleotide variant.
Coding change: c.5365A>C on transcript NM_001130438.3 (MANE Select); coding-DNA position 5365, A replaced by C.
Protein change: p.Lys1789Gln; replaces lysine 1789 with glutamine.
Molecular consequence: missense variant.
Genome position (GRCh38, 1-based): chr9:128,617,647, A>C. VCF-style: chr9-128617647-A-C. GRCh37 (hg19) VCF-style: chr9-131379926-A-C.
Other names: c.5305A>C, p.Lys1769Gln (NM_001375314.2, NM_001363765.2); c.5401A>C, p.Lys1801Gln (NM_001375318.1, NM_001375312.2); c.5350A>C, p.Lys1784Gln (NM_003127.4); c.5290A>C, p.Lys1764Gln (NM_001195532.2); c.5365A>C, p.Lys1789Gln (NM_001363759.2, NM_001375310.1, NM_001375311.2 and 1 more transcripts); short protein forms K1769Q, K1784Q, K1764Q, K1801Q, K1789Q.
Identifiers: ClinVar variation 3671599 (VCV003671599.2).